The following is an entry in ClinVar:

NM_001291303.3(FAT4):c.5760_5761inv (p.Gly1921Ser)

Gene: FAT4 (FAT atypical cadherin 4; plus strand). Cytogenetic location: 4q28.1.
Variant type: Inversion.
Coding change: c.5760_5761inv on transcript NM_001291303.3 (MANE Select).
Protein change: p.Gly1921Ser; replaces glycine 1921 with serine.
Molecular consequence: missense variant.
Genome position: GRCh38 VCF-style: chr4-125408634-TG-CA. GRCh37 (hg19) VCF-style: chr4-126329789-TG-CA.
Other names: c.5760_5761inv, p.Gly1921Ser (NM_001291285.3, NM_024582.6); short protein forms G1921S.
Identifiers: ClinVar variation 2896399 (VCV002896399.3), ClinGen allele CA2739270273.

ClinVar aggregate classification (germline): Uncertain significance (1 of 4 stars; one submission).

Submission:

Labcorp Genetics (formerly Invitae), Labcorp
Classification: Uncertain significance. Last evaluated: 2024-04-02. Review status: criteria provided, single submitter. Criteria: Invitae Variant Classification Sherloc (09022015). Collection method: clinical testing. Allele origin: germline.
Comment: This sequence change replaces glycine, which is neutral and non-polar, with serine, which is neutral and polar, at codon 1921 of the FAT4 protein (p.Gly1921Ser). Information on the frequency of this variant in the gnomAD database is not available, as this variant may be reported differently in the database. This variant has not been reported in the literature in individuals affected with FAT4-related conditions. Experimental studies and prediction algorithms are not available or were not evaluated, and the functional significance of this variant is currently unknown. In summary, the available evidence is currently insufficient to determine the role of this variant in disease. Therefore, it has been classified as a Variant of Uncertain Significance.